The following is an entry in ClinVar:

NM_003331.5(TYK2):c.2534C>T (p.Thr845Ile)

Gene: TYK2 (tyrosine kinase 2; minus strand). Cytogenetic location: 19p13.2.
Variant type: single nucleotide variant.
Coding change: c.2534C>T on transcript NM_003331.5 (MANE Select); coding-DNA position 2534, C replaced by T.
Protein change: p.Thr845Ile; replaces threonine 845 with isoleucine.
Molecular consequence: missense variant.
Genome position (GRCh38, 1-based): chr19:10,356,651, G>A on the plus strand (C>T on the coding strand, the complement: TYK2 is on the minus strand). VCF-style: chr19-10356651-G-A. GRCh37 (hg19) VCF-style: chr19-10467327-G-A.
Other names: c.2534C>T (LRG_121t1); short protein forms T845I.
Identifiers: ClinVar variation 582902 (VCV000582902.9), dbSNP rs1209330159, ClinGen allele CA403992434.

ClinVar aggregate classification (germline): Uncertain significance (1 of 4 stars; one submission).

Conditions:
Immunodeficiency 35 (IMD35). Also called: TYK2 DEFICIENCY; HIES WITH ATYPICAL MYCOBACTERIOSIS, AUTOSOMAL RECESSIVE; HYPER-IgE SYNDROME WITH ATYPICAL MYCOBACTERIOSIS, AUTOSOMAL RECESSIVE; Susceptibility to infection due to TYK2 deficiency. Identifiers: Orphanet 331226, MedGen C1969086, MONDO:0012682, OMIM 611521.

Allele frequency attached by ClinVar (database versions not stated): gnomAD exomes 0.00001.
gnomAD v4.1: 8 of 1,613,364 alleles (0.0005%); highest among the groups gnomAD compares: Non-Finnish European, 0.00068%; no homozygotes.

Submission:

Labcorp Genetics (formerly Invitae), Labcorp
Classification: Uncertain significance for Immunodeficiency 35. Last evaluated: 2019-03-06. Review status: criteria provided, single submitter. Criteria: Invitae Variant Classification Sherloc (09022015). Collection method: clinical testing. Allele origin: germline.
Comment: In summary, the available evidence is currently insufficient to determine the role of this variant in disease. Therefore, it has been classified as a Variant of Uncertain Significance. Algorithms developed to predict the effect of missense changes on protein structure and function output the following: SIFT: "Tolerated"; PolyPhen-2: "Benign"; Align-GVGD: "Class C0". The isoleucine amino acid residue is found in multiple mammalian species, suggesting that this missense change does not adversely affect protein function. These predictions have not been confirmed by published functional studies and their clinical significance is uncertain. This variant has not been reported in the literature in individuals with TYK2-related disease. This variant is not present in population databases (ExAC no frequency). This sequence change replaces threonine with isoleucine at codon 845 of the TYK2 protein (p.Thr845Ile). The threonine residue is moderately conserved and there is a moderate physicochemical difference between threonine and isoleucine.